The following is an entry in ClinVar:

NM_001379286.1(ZNF423):c.2529T>C (p.Ala843=)

Gene: ZNF423 (zinc finger protein 423; minus strand). Cytogenetic location: 16q12.1.
Variant type: single nucleotide variant.
Coding change: c.2529T>C on transcript NM_001379286.1 (MANE Select); coding-DNA position 2529, T replaced by C.
Protein change: p.Ala843=; no amino-acid change (alanine 843 retained).
Molecular consequence: synonymous variant.
Genome position (GRCh38, 1-based): chr16:49,636,647, A>G on the plus strand (T>C on the coding strand, the complement: ZNF423 is on the minus strand). VCF-style: chr16-49636647-A-G. GRCh37 (hg19) VCF-style: chr16-49670558-A-G.
Other names: c.2505T>C (NM_015069.4); c.2325T>C, p.Ala775= (NM_001271620.2); c.2154T>C, p.Ala718= (NM_001330533.2); c.2505T>C, p.Ala835= (NM_015069.5).
Identifiers: ClinVar variation 3011161 (VCV003011161.5), dbSNP rs945321110, ClinGen allele CA281211723.

ClinVar aggregate classification (germline): Likely benign. Review status: criteria provided, single submitter (1 of 4 stars). 2 submissions from 2 submitters: Likely benign (1). 1 of the submissions does not count toward it. Last evaluated 2023-07-20.

Conditions:
ZNF423-related disorder. Also called: ZNF423-related condition.
Nephronophthisis 14 (NPHP14). Identifiers: Orphanet 2318, MedGen C3539071, MONDO:0013916, OMIM 614844.

Allele frequency attached by ClinVar (database versions not stated): gnomAD 0.00001; gnomAD exomes 0.00001.
gnomAD v4.1: 13 of 1,613,908 alleles (0.00081%); highest among the groups gnomAD compares: Non-Finnish European, 0.0011%; no homozygotes.

Submissions (2):

Labcorp Genetics (formerly Invitae), Labcorp
Classification: Likely benign for Nephronophthisis 14. Last evaluated: 2023-07-20. Review status: criteria provided, single submitter. Criteria: Invitae Variant Classification Sherloc (09022015). Collection method: clinical testing. Allele origin: germline.

PreventionGenetics, part of Exact Sciences
Classification: Likely benign for ZNF423-related condition. Last evaluated: 2019-05-02. Review status: no assertion criteria provided. Collection method: clinical testing. Allele origin: germline. Not counted in ClinVar's aggregate classification.
Comment: This variant is classified as likely benign based on ACMG/AMP sequence variant interpretation guidelines (Richards et al. 2015 PMID: 25741868, with internal and published modifications).